The following is an entry in ClinVar:

ClinVar aggregate classification (germline): Uncertain significance. Review status: criteria provided, multiple submitters, no conflicts (2 of 4 stars). 2 submissions from 2 submitters: Uncertain significance (2). Last evaluated 2023-01-01.

Conditions:
Dilated cardiomyopathy 1KK (CMD1KK). Identifiers: Orphanet 154, Orphanet 75249, MedGen C3714995, MONDO:0014100, OMIM 615248.

Allele frequency attached by ClinVar (database versions not stated): TOPMed 0.00001.
gnomAD v4.1: 1 of 1,612,660 alleles (0.000062%); highest among the groups gnomAD compares: Non-Finnish European, 0.000085%; no homozygotes.

Submissions (2):

CeGaT Center for Human Genetics Tuebingen
Classification: Uncertain significance. Last evaluated: 2023-01-01. Review status: criteria provided, single submitter. Criteria: CeGaT Center For Human Genetics Tuebingen Variant Classification Criteria Version 2. Collection method: clinical testing. Allele origin: germline. Affected: yes. Observed: 1 variant allele.
Comment: MYPN: PM2

Labcorp Genetics (formerly Invitae), Labcorp
Classification: Uncertain significance for Dilated cardiomyopathy 1KK. Last evaluated: 2022-09-27. Review status: criteria provided, single submitter. Criteria: Invitae Variant Classification Sherloc (09022015). Collection method: clinical testing. Allele origin: germline.
Comment: This sequence change replaces glutamic acid, which is acidic and polar, with aspartic acid, which is acidic and polar, at codon 7 of the MYPN protein (p.Glu7Asp). In summary, the available evidence is currently insufficient to determine the role of this variant in disease. Therefore, it has been classified as a Variant of Uncertain Significance. Algorithms developed to predict the effect of missense changes on protein structure and function (SIFT, PolyPhen-2, Align-GVGD) all suggest that this variant is likely to be tolerated. ClinVar contains an entry for this variant (Variation ID: 1470941). This variant has not been reported in the literature in individuals affected with MYPN-related conditions. This variant is present in population databases (no rsID available, gnomAD 0.0009%).

NM_032578.4(MYPN):c.21A>C (p.Glu7Asp)

Gene: MYPN (myopalladin; plus strand). Cytogenetic location: 10q21.3.
Variant type: single nucleotide variant.
Coding change: c.21A>C on transcript NM_032578.4 (MANE Select); coding-DNA position 21, A replaced by C.
Protein change: p.Glu7Asp; replaces glutamic acid 7 with aspartic acid.
Molecular consequence: missense variant. On other transcripts: 5 prime UTR variant (1), non-coding transcript variant (1).
Genome position (GRCh38, 1-based): chr10:68,121,459, A>C. VCF-style: chr10-68121459-A-C. GRCh37 (hg19) VCF-style: chr10-69881216-A-C.
Other names: c.21A>C, p.Glu7Asp (NM_001256267.2); c.-1102A>C (NM_001256268.2); short protein forms E7D.
Identifiers: ClinVar variation 1470941 (VCV001470941.30), dbSNP rs759945622, ClinGen allele CA377103446.